The following is an entry in ClinVar:

NM_177438.3(DICER1):c.2207T>A (p.Val736Asp)

Gene: DICER1 (dicer 1, ribonuclease III; minus strand). Cytogenetic location: 14q32.13.
Variant type: single nucleotide variant.
Coding change: c.2207T>A on transcript NM_177438.3 (MANE Select); coding-DNA position 2207, T replaced by A.
Protein change: p.Val736Asp; replaces valine 736 with aspartic acid.
Molecular consequence: missense variant. On other transcripts: non-coding transcript variant (6).
Genome position (GRCh38, 1-based): chr14:95,111,366, A>T on the plus strand (T>A on the coding strand, the complement: DICER1 is on the minus strand). VCF-style: chr14-95111366-A-T. GRCh37 (hg19) VCF-style: chr14-95577703-A-T.
Other names: c.2207T>A, p.Val736Asp (NM_001195573.1, NM_001271282.3, NM_001291628.2 and 13 more transcripts); c.1925T>A, p.Val642Asp (NM_001395686.1); c.1802T>A, p.Val601Asp (NM_001395687.1, NM_001395688.1, NM_001395689.1 and 3 more transcripts); c.1640T>A, p.Val547Asp (NM_001395691.1); c.524T>A, p.Val175Asp (NM_001395697.1); short protein forms V547D, V601D, V642D, V175D, V736D.
Identifiers: ClinVar variation 2068323 (VCV002068323.4), dbSNP rs2542911899, ClinGen allele CA390882602.
Genomic context (GRCh38, chr14:95,111,366, plus strand): 5'-CCAATACTAACTGCTTTTGGGTAGCACTGCCTTCGTTTCGTGGAACCTGGTCTTCCTGGA[A>T]CACTGGTCTCTTCTTCATCATGCAAATCAAGCTCCTCTTCATATTTAACAGTCTCTTTCC-3'
Protein context (NP_803187.1, residues 726-746): LDLHDEEETS[Val736Asp]PGRPGSTKRR

ClinVar aggregate classification (germline): Uncertain significance (1 of 4 stars; one submission).

Conditions:
DICER1-related tumor predisposition. Also called: DICER1 syndrome; DICER1-related pleuropulmonary blastoma cancer predisposition syndrome. Identifiers: Orphanet 284343, MedGen C3839822, MONDO:0100216.

Submission:

Labcorp Genetics (formerly Invitae), Labcorp
Classification: Uncertain significance for DICER1-related tumor predisposition. Last evaluated: 2023-10-06. Review status: criteria provided, single submitter. Criteria: Invitae Variant Classification Sherloc (09022015). Collection method: clinical testing. Allele origin: germline.
Comment: This sequence change replaces valine, which is neutral and non-polar, with aspartic acid, which is acidic and polar, at codon 736 of the DICER1 protein (p.Val736Asp). This variant is not present in population databases (gnomAD no frequency). This variant has not been reported in the literature in individuals affected with DICER1-related conditions. ClinVar contains an entry for this variant (Variation ID: 2068323). Advanced modeling of protein sequence and biophysical properties (such as structural, functional, and spatial information, amino acid conservation, physicochemical variation, residue mobility, and thermodynamic stability) performed at Invitae indicates that this missense variant is not expected to disrupt DICER1 protein function. In summary, the available evidence is currently insufficient to determine the role of this variant in disease. Therefore, it has been classified as a Variant of Uncertain Significance.